The following is an entry in ClinVar:

NM_020708.5(SLC12A5):c.3002C>T (p.Pro1001Leu)

Gene: SLC12A5 (solute carrier family 12 member 5; plus strand). Cytogenetic location: 20q13.12.
Variant type: single nucleotide variant.
Coding change: c.3002C>T on transcript NM_020708.5 (MANE Select); coding-DNA position 3002, C replaced by T.
Protein change: p.Pro1001Leu; replaces proline 1001 with leucine.
Molecular consequence: missense variant.
Genome position (GRCh38, 1-based): chr20:46,056,456, C>T. VCF-style: chr20-46056456-C-T. GRCh37 (hg19) VCF-style: chr20-44685095-C-T.
Other names: c.3071C>T, p.Pro1024Leu (NM_001134771.2); short protein forms P1001L, P1024L.
Identifiers: ClinVar variation 1033950 (VCV001033950.3), dbSNP rs749426883, ClinGen allele CA9887761.

ClinVar aggregate classification (germline): Uncertain significance. Review status: criteria provided, multiple submitters, no conflicts (2 of 4 stars). 2 submissions from 2 submitters: Uncertain significance (2). Last evaluated 2022-06-15.

Conditions:
Developmental and epileptic encephalopathy, 34 (DEE34). Also called: SLC12A5-Related Epilepsy of Infancy with Migrating Focal Seizures; Early infantile epileptic encephalopathy 34. Identifiers: Orphanet 293181, MedGen C4225257, MONDO:0014718, OMIM 616645.

Allele frequency attached by ClinVar (database versions not stated): gnomAD exomes below 0.00001; ExAC 0.00001; TOPMed 0.00001.
gnomAD v4.1: 3 of 1,614,110 alleles (0.00019%); highest among the groups gnomAD compares: African/African-American, 0.0013%; no homozygotes.

Submissions (2):

Labcorp Genetics (formerly Invitae), Labcorp
Classification: Uncertain significance for Developmental and epileptic encephalopathy, 34. Last evaluated: 2022-06-15. Review status: criteria provided, single submitter. Criteria: Invitae Variant Classification Sherloc (09022015). Collection method: clinical testing. Allele origin: germline.
Comment: This sequence change replaces proline, which is neutral and non-polar, with leucine, which is neutral and non-polar, at codon 1001 of the SLC12A5 protein (p.Pro1001Leu). The frequency data for this variant in the population databases is considered unreliable, as metrics indicate poor data quality at this position in the gnomAD database. This variant has not been reported in the literature in individuals affected with SLC12A5-related conditions. ClinVar contains an entry for this variant (Variation ID: 1033950). Advanced modeling of protein sequence and biophysical properties (such as structural, functional, and spatial information, amino acid conservation, physicochemical variation, residue mobility, and thermodynamic stability) performed at Invitae indicates that this missense variant is not expected to disrupt SLC12A5 protein function. In summary, the available evidence is currently insufficient to determine the role of this variant in disease. Therefore, it has been classified as a Variant of Uncertain Significance.

Baylor Genetics
Classification: Uncertain significance for Developmental and epileptic encephalopathy, 34. Last evaluated: 2018-02-07. Review status: criteria provided, single submitter. Criteria: ACMG Guidelines, 2015. Collection method: clinical testing. Allele origin: de novo. Affected: yes.
Comment: This variant was determined to be of uncertain significance according to ACMG Guidelines, 2015 [PMID:25741868].